The following is an entry in ClinVar:

ClinVar aggregate classification (germline): Uncertain significance (1 of 4 stars; one submission).

Conditions:
Neuropathy, hereditary sensory and autonomic, type 2A (HSAN2A). Also called: WNK1-Related HSAN2 (HSAN2A); NEUROPATHY, CONGENITAL SENSORY; NEUROPATHY, HEREDITARY SENSORY RADICULAR, AUTOSOMAL RECESSIVE; NEUROPATHY, HEREDITARY SENSORY, TYPE IIA; NEUROPATHY, PROGRESSIVE SENSORY, OF CHILDREN; HSAN IIA. Identifiers: Orphanet 970, MedGen C2752089, MONDO:0024309, OMIM 201300.
Generalized epilepsy with febrile seizures plus, type 7 (GEFSP7). Also called: GEFS+, TYPE 7. Identifiers: Orphanet 36387, MedGen C2751778, MONDO:0013470, OMIM 613863.

Submission:

Labcorp Genetics (formerly Invitae), Labcorp
Classification: Uncertain significance for Neuropathy, hereditary sensory and autonomic, type 2A; Generalized epilepsy with febrile seizures plus, type 7. Last evaluated: 2025-05-22. Review status: criteria provided, single submitter. Criteria: Invitae Variant Classification Sherloc (09022015). Collection method: clinical testing. Allele origin: germline.
Comment: This sequence change replaces alanine, which is neutral and non-polar, with threonine, which is neutral and polar, at codon 1081 of the SCN9A protein (p.Ala1081Thr). This variant is not present in population databases (gnomAD no frequency). This variant has not been reported in the literature in individuals affected with SCN9A-related conditions. ClinVar contains an entry for this variant (Variation ID: 1510118). Invitae Evidence Modeling of protein sequence and biophysical properties (such as structural, functional, and spatial information, amino acid conservation, physicochemical variation, residue mobility, and thermodynamic stability) indicates that this missense variant is not expected to disrupt SCN9A protein function with a negative predictive value of 80%. In summary, the available evidence is currently insufficient to determine the role of this variant in disease. Therefore, it has been classified as a Variant of Uncertain Significance.

NM_001365536.1(SCN9A):c.3274G>A (p.Ala1092Thr)

Genes: SCN1A-AS1 (SCN1A and SCN9A antisense RNA 1; plus strand), SCN9A (sodium voltage-gated channel alpha subunit 9; minus strand). Cytogenetic location: 2q24.3.
Variant type: single nucleotide variant.
Coding change: c.3274G>A on transcript NM_001365536.1 (MANE Select); coding-DNA position 3274, G replaced by A.
Protein change: p.Ala1092Thr; replaces alanine 1092 with threonine.
Molecular consequence: missense variant.
Genome position (GRCh38, 1-based): chr2:166,272,476, C>T on the plus strand (G>A on the coding strand, the complement: SCN9A is on the minus strand). VCF-style: chr2-166272476-C-T. GRCh37 (hg19) VCF-style: chr2-167128986-C-T.
Other names: c.3241G>A, p.Ala1081Thr (NM_002977.4); short protein forms A1092T, A1081T.
Identifiers: ClinVar variation 1510118 (VCV001510118.6), dbSNP rs2106460277, ClinGen allele CA349072748.